The following is an entry in ClinVar:

ClinVar aggregate classification (germline): Uncertain significance. Review status: criteria provided, multiple submitters, no conflicts (2 of 4 stars). 3 submissions from 3 submitters: Uncertain significance (2). 1 of the submissions does not count toward it. Last evaluated 2025-07-31.

Conditions:
Inborn genetic diseases. Identifiers: MedGen C0950123, MeSH D030342.
VPS13B-related disorder. Also called: VPS13B-related condition.
Cohen syndrome (COH1). Also called: PEPPER SYNDROME; Cutis verticis gyrata, retinitis pigmentosa, and sensorineural deafness. Identifiers: Orphanet 193, MedGen C0265223, MONDO:0008999, OMIM 216550.

Allele frequency attached by ClinVar (database versions not stated): gnomAD exomes below 0.00001 and 0.00001; ExAC 0.00001; TOPMed 0.00003; gnomAD 0.00004; ESP Exome Variant Server 0.00015.
gnomAD v4.1: 20 of 1,613,612 alleles (0.0012%); highest among the groups gnomAD compares: Non-Finnish European, 0.0017%; no homozygotes.

Submissions (3):

Ambry Genetics
Classification: Uncertain significance for Inborn genetic diseases. Last evaluated: 2025-07-31. Review status: criteria provided, single submitter. Criteria: Ambry Variant Classification Scheme 2023. Collection method: clinical testing. Allele origin: germline.

Labcorp Genetics (formerly Invitae), Labcorp
Classification: Uncertain significance for Cohen syndrome. Last evaluated: 2022-04-18. Review status: criteria provided, single submitter. Criteria: Invitae Variant Classification Sherloc (09022015). Collection method: clinical testing. Allele origin: germline.
Comment: This sequence change replaces glutamine, which is neutral and polar, with arginine, which is basic and polar, at codon 813 of the VPS13B protein (p.Gln813Arg). This variant is present in population databases (rs146195479, gnomAD 0.005%). This variant has not been reported in the literature in individuals affected with VPS13B-related conditions. Algorithms developed to predict the effect of missense changes on protein structure and function are either unavailable or do not agree on the potential impact of this missense change (SIFT: "Not Available"; PolyPhen-2: "Benign"; Align-GVGD: "Not Available"). In summary, the available evidence is currently insufficient to determine the role of this variant in disease. Therefore, it has been classified as a Variant of Uncertain Significance.

PreventionGenetics, part of Exact Sciences
Classification: Uncertain significance for VPS13B-related condition. Last evaluated: 2024-09-10. Review status: no assertion criteria provided. Collection method: clinical testing. Allele origin: germline. Not counted in ClinVar's aggregate classification.
Comment: The VPS13B c.2438A>G variant is predicted to result in the amino acid substitution p.Gln813Arg. To our knowledge, this variant has not been reported in the literature. This variant is reported in 0.0039% of alleles in individuals of European (Non-Finnish) descent in gnomAD. At this time, the clinical significance of this variant is uncertain due to the absence of conclusive functional and genetic evidence.

NM_152564.5(VPS13B):c.2438A>G (p.Gln813Arg)

Gene: VPS13B (vacuolar protein sorting 13 homolog B; plus strand). Cytogenetic location: 8q22.2.
Variant type: single nucleotide variant.
Coding change: c.2438A>G on transcript NM_152564.5 (MANE Select); coding-DNA position 2438, A replaced by G.
Protein change: p.Gln813Arg; replaces glutamine 813 with arginine.
Molecular consequence: missense variant.
Genome position (GRCh38, 1-based): chr8:99,192,980, A>G. VCF-style: chr8-99192980-A-G. GRCh37 (hg19) VCF-style: chr8-100205208-A-G.
Other names: c.2438A>G (NM_017890.3, NM_152564.4); c.2438A>G, p.Gln813Arg (NM_015243.3, NM_017890.5); short protein forms Q813R.
Identifiers: ClinVar variation 1414923 (VCV001414923.8), dbSNP rs146195479, ClinGen allele CA4822908.